The following is an entry in ClinVar:

NM_032043.3(BRIP1):c.3254G>T (p.Arg1085Ile)

Gene: BRIP1 (BRCA1 interacting DNA helicase 1; minus strand). Cytogenetic location: 17q23.2.
Variant type: single nucleotide variant.
Coding change: c.3254G>T on transcript NM_032043.3 (MANE Select); coding-DNA position 3254, G replaced by T.
Protein change: p.Arg1085Ile; replaces arginine 1085 with isoleucine.
Molecular consequence: missense variant.
Genome position (GRCh38, 1-based): chr17:61,683,792, C>A on the plus strand (G>T on the coding strand, the complement: BRIP1 is on the minus strand). VCF-style: chr17-61683792-C-A. GRCh37 (hg19) VCF-style: chr17-59761153-C-A.
Other names: short protein forms R1085I.
Identifiers: ClinVar variation 1729449 (VCV001729449.3), dbSNP rs1567728589, ClinGen allele CA400479122.

ClinVar aggregate classification (germline): Uncertain significance (1 of 4 stars; one submission).

Conditions:
Hereditary cancer-predisposing syndrome. Also called: Neoplastic Syndromes, Hereditary; Tumor predisposition; Hereditary Cancer Syndrome; Hereditary neoplastic syndrome. Identifiers: Orphanet 140162, MedGen C0027672, MeSH D009386, MONDO:0015356.

Submission:

Ambry Genetics
Classification: Uncertain significance for Hereditary cancer-predisposing syndrome. Last evaluated: 2024-08-19. Review status: criteria provided, single submitter. Criteria: Ambry Variant Classification Scheme 2023. Collection method: clinical testing. Allele origin: germline.
Comment: The p.R1085I variant (also known as c.3254G>T), located in coding exon 19 of the BRIP1 gene, results from a G to T substitution at nucleotide position 3254. The arginine at codon 1085 is replaced by isoleucine, an amino acid with similar properties. This amino acid position is conserved. In addition, this alteration is predicted to be tolerated by in silico analysis. Since supporting evidence is limited at this time, the clinical significance of this alteration remains unclear.